The following is an entry in ClinVar:

NM_001110556.2(FLNA):c.1991G>T (p.Arg664Leu)

Gene: FLNA (filamin A; minus strand). Cytogenetic location: Xq28.
Variant type: single nucleotide variant.
Coding change: c.1991G>T on transcript NM_001110556.2 (MANE Select); coding-DNA position 1991, G replaced by T.
Protein change: p.Arg664Leu; replaces arginine 664 with leucine.
Molecular consequence: missense variant.
Genome position (GRCh38, 1-based): chrX:154,364,557, C>A on the plus strand (G>T on the coding strand, the complement: FLNA is on the minus strand). VCF-style: chrX-154364557-C-A. GRCh37 (hg19) VCF-style: chrX-153592925-C-A.
Other names: c.1991G>T, p.Arg664Leu (NM_001456.4); short protein forms R664L.
Identifiers: ClinVar variation 1509674 (VCV001509674.5), dbSNP rs1271495778, ClinGen allele CA415241235.

ClinVar aggregate classification (germline): Uncertain significance (1 of 4 stars; one submission).

Conditions:
Heterotopia, periventricular, X-linked dominant (PVNH1). Also called: PERIVENTRICULAR NODULAR HETEROTOPIA 1; X-linked periventricular heterotopia; PERIVENTRICULAR NODULAR HETEROTOPIA 4; HETEROTOPIA, PERIVENTRICULAR, 1. Identifiers: Orphanet 2149, Orphanet 82004, MedGen C1848213, MONDO:0010233, OMIM 300049.
Melnick-Needles syndrome (MNS). Also called: Melnick-Needles Syndrome (FLNA-MNS); MELNICK-NEEDLES OSTEODYSPLASTY; OSTEODYSPLASTY OF MELNICK AND NEEDLES. Identifiers: Orphanet 2484, MedGen C0025237, MONDO:0010650, OMIM 309350.
Frontometaphyseal dysplasia (FMD1). Identifiers: Orphanet 1826, MedGen C0265293, MONDO:0015942.
Oto-palato-digital syndrome, type II (OPD2). Also called: Otopalatodigital Syndrome Type 2 (FLNA-OPD2); FACIOPALATOOSSEOUS SYNDROME; OPD II SYNDROME; Otopalatodigital Syndrome, Type II. Identifiers: Orphanet 669, Orphanet 90652, MedGen C1844696, MONDO:0010571, OMIM 304120.

Submission:

Labcorp Genetics (formerly Invitae), Labcorp
Classification: Uncertain significance for Oto-palato-digital syndrome, type II; Heterotopia, periventricular, X-linked dominant; Frontometaphyseal dysplasia; Melnick-Needles syndrome. Last evaluated: 2025-11-06. Review status: criteria provided, single submitter. Criteria: Invitae Variant Classification Sherloc (09022015). Collection method: clinical testing. Allele origin: germline.
Comment: This sequence change replaces arginine, which is basic and polar, with leucine, which is neutral and non-polar, at codon 664 of the FLNA protein (p.Arg664Leu). This variant is not present in population databases (gnomAD no frequency). This variant has not been reported in the literature in individuals affected with FLNA-related conditions. ClinVar contains an entry for this variant (Variation ID: 1509674). Invitae Evidence Modeling of protein sequence and biophysical properties (such as structural, functional, and spatial information, amino acid conservation, physicochemical variation, residue mobility, and thermodynamic stability) indicates that this missense variant is not expected to disrupt FLNA protein function with a negative predictive value of 95%. In summary, the available evidence is currently insufficient to determine the role of this variant in disease. Therefore, it has been classified as a Variant of Uncertain Significance.